The following is an entry in ClinVar:

NM_001943.5(DSG2):c.2405A>G (p.Glu802Gly)

Genes: DSG2 (desmoglein 2; plus strand), DSG2-AS1 (DSG2 antisense RNA 1; minus strand). Cytogenetic location: 18q12.1.
Variant type: single nucleotide variant.
Coding change: c.2405A>G on transcript NM_001943.5 (MANE Select); coding-DNA position 2405, A replaced by G.
Protein change: p.Glu802Gly; replaces glutamic acid 802 with glycine.
Molecular consequence: missense variant. On other transcripts: non-coding transcript variant (1).
Genome position (GRCh38, 1-based): chr18:31,545,791, A>G. VCF-style: chr18-31545791-A-G. GRCh37 (hg19) VCF-style: chr18-29125754-A-G.
Other names: c.2405A>G (LRG_397t1); short protein forms E802G.
Identifiers: ClinVar variation 326485 (VCV000326485.27), dbSNP rs763315024, ClinGen allele CA045948.

ClinVar aggregate classification (germline): Uncertain significance. Review status: criteria provided, multiple submitters, no conflicts (2 of 4 stars). 7 submissions from 7 submitters: Uncertain significance (7). Last evaluated 2026-01-27.

Conditions:
Cardiovascular phenotype. Identifiers: MedGen CN230736.
Arrhythmogenic right ventricular cardiomyopathy (ARVD). Also called: Arrhythmogenic cardiomyopathy; Arrhythmogenic Right Ventricular Cardiomyopathy (ARVC); Cardiomyopathy, ARVC; Arrhythmogenic right ventricular dysplasia. Identifiers: Orphanet 247, MedGen C0349788, MeSH D019571, MONDO:0016587. Disease mechanism: loss of function. Inheritance: Various modes of inheritance.
Cardiomyopathy (CMYO). Also called: Cardiomyopathies. Identifiers: Orphanet 167848, MedGen C0878544, MONDO:0004994, HP:0001638. Inheritance: Various modes of inheritance.
Arrhythmogenic right ventricular dysplasia 10. Also called: ARRHYTHMOGENIC RIGHT VENTRICULAR DYSPLASIA, FAMILIAL, 10; Arrhythmogenic Right Ventricular Dysplasia/Cardiomyopathy10; Arrhythmogenic right ventricular dysplasia/cardiomyopathy, type 10. Identifiers: MedGen C1857777, MONDO:0012434, OMIM 610193.

Allele frequency attached by ClinVar (database versions not stated): ExAC 0.00002; gnomAD 0.00003 and 0.00004; gnomAD exomes 0.00003; TOPMed 0.00003.
gnomAD v4.1: 45 of 1,614,080 alleles (0.0028%); highest among the groups gnomAD compares: Non-Finnish European, 0.0037%; no homozygotes.

Submissions (7):

Labcorp Genetics (formerly Invitae), Labcorp
Classification: Uncertain significance for Arrhythmogenic right ventricular dysplasia 10. Last evaluated: 2026-01-27. Review status: criteria provided, single submitter. Criteria: Invitae Variant Classification Sherloc (09022015). Collection method: clinical testing. Allele origin: germline.
Comment: This sequence change replaces glutamic acid, which is acidic and polar, with glycine, which is neutral and non-polar, at codon 802 of the DSG2 protein (p.Glu802Gly). This variant is present in population databases (rs763315024, gnomAD 0.005%). This variant has not been reported in the literature in individuals affected with DSG2-related conditions. ClinVar contains an entry for this variant (Variation ID: 326485). Invitae Evidence Modeling of protein sequence and biophysical properties (such as structural, functional, and spatial information, amino acid conservation, physicochemical variation, residue mobility, and thermodynamic stability) indicates that this missense variant is not expected to disrupt DSG2 protein function with a negative predictive value of 95%. In summary, the available evidence is currently insufficient to determine the role of this variant in disease. Therefore, it has been classified as a Variant of Uncertain Significance.

All of Us Research Program, National Institutes of Health
Classification: Uncertain significance for Arrhythmogenic right ventricular cardiomyopathy. Last evaluated: 2024-09-23. Review status: criteria provided, single submitter. Criteria: ACMG Guidelines, 2015. Collection method: clinical testing. Allele origin: germline. Inheritance: Autosomal dominant inheritance. Observed: 16 variant alleles, 16 heterozygotes.
Comment: This missense variant replaces glutamic acid with glycine at codon 802 of the DSG2 protein. Computational prediction tools and conservation analyses are inconclusive regarding the impact of this variant on the protein function. Computational splicing tools suggest that this variant may not impact RNA splicing. To our knowledge, functional assays have not been performed for this variant nor has this variant been reported in individuals affected with cardiovascular disorders in the literature. This variant has been identified in 7/249468 chromosomes (7/113204 non-Finnish European chromosomes) in the general population by the Genome Aggregation Database (gnomAD). Available evidence is insufficient to determine the role of this variant in disease conclusively. Therefore, this variant is classified as a Variant of Uncertain Significance.

This study involves interpretation of variants in research participants for the purpose of population health screening. Participant phenotype was not available at the time of variant classification. Additional details can be found in publication PMID: 35346344, PMCID: PMC8962531

Ambry Genetics
Classification: Uncertain significance for Cardiovascular phenotype. Last evaluated: 2024-05-16. Review status: criteria provided, single submitter. Criteria: Ambry Variant Classification Scheme 2023. Collection method: clinical testing. Allele origin: germline.
Comment: The p.E802G variant (also known as c.2405A>G), located in coding exon 15 of the DSG2 gene, results from an A to G substitution at nucleotide position 2405. The glutamic acid at codon 802 is replaced by glycine, an amino acid with similar properties. This amino acid position is well conserved in available vertebrate species. In addition, the in silico prediction for this alteration is inconclusive. Since supporting evidence is limited at this time, the clinical significance of this alteration remains unclear.

GeneDx
Classification: Uncertain significance. Last evaluated: 2024-04-25. Review status: criteria provided, single submitter. Criteria: GeneDx Variant Classification Process June 2021. Collection method: clinical testing. Allele origin: germline. Affected: yes.
Comment: Has not been previously published as pathogenic or benign to our knowledge; In silico analysis supports that this missense variant has a deleterious effect on protein structure/function

Color Diagnostics, LLC DBA Color Health
Classification: Uncertain significance for Cardiomyopathy. Last evaluated: 2024-03-06. Review status: criteria provided, single submitter. Criteria: ACMG Guidelines, 2015. Collection method: clinical testing. Allele origin: germline.
Comment: This missense variant replaces glutamic acid with glycine at codon 802 of the DSG2 protein. Computational prediction is inconclusive regarding the impact of this variant on protein structure and function (internally defined REVEL score threshold 0.5 < inconclusive < 0.7, PMID: 27666373). To our knowledge, functional studies have not been reported for this variant. This variant has not been reported in individuals affected with DSG2-related disorders in the literature. This variant has been identified in 7/249468 chromosomes in the general population by the Genome Aggregation Database (gnomAD). The available evidence is insufficient to determine the role of this variant in disease conclusively. Therefore, this variant is classified as a Variant of Uncertain Significance.

CHEO Genetics Diagnostic Laboratory, Children's Hospital of Eastern Ontario
Classification: Uncertain significance for Cardiomyopathy. Last evaluated: 2019-09-12. Review status: criteria provided, single submitter. Criteria: ACMG Guidelines, 2015. Collection method: clinical testing. Allele origin: germline.

Illumina Laboratory Services, Illumina
Classification: Uncertain significance for Arrhythmogenic right ventricular dysplasia 10. Last evaluated: 2018-01-13. Review status: criteria provided, single submitter. Criteria: ICSL Variant Classification Criteria 13 December 2019. Collection method: clinical testing. Allele origin: germline.